The following is an entry in ClinVar:

ClinVar aggregate classification (germline): Conflicting classifications of pathogenicity. Review status: criteria provided, conflicting classifications (1 of 4 stars). 7 submissions from 7 submitters: Uncertain significance (6); Likely benign (1). Last evaluated 2026-09-02.

Conditions:
BRCA2-related cancer predisposition. Identifiers: MedGen CN377758, MONDO:0700269.
BRCA2-related disorder. Also called: BRCA2-related condition; BRCA2-related disorders. Identifiers: MedGen CN239275.
Hereditary cancer-predisposing syndrome. Also called: Neoplastic Syndromes, Hereditary; Tumor predisposition; Hereditary neoplastic syndrome; Hereditary Cancer Syndrome. Identifiers: Orphanet 140162, MedGen C0027672, MeSH D009386, MONDO:0015356.
Hereditary breast ovarian cancer syndrome. Also called: Hereditary breast and/or ovarian cancer syndrome; Hereditary breast and ovarian cancer syndrome; Hereditary breast and ovarian cancer; Hereditary breast and ovarian cancer syndrome (HBOC); Breast and ovarian cancer; BRCA1- and BRCA2-Associated Hereditary Breast and Ovarian Cancer. Identifiers: Orphanet 145, MedGen C0677776, MeSH D061325, MONDO:0003582. Disease mechanism: loss of function.

Allele frequency attached by ClinVar (database versions not stated): TOPMed 0.00001.
gnomAD v4.1: 3 of 1,590,500 alleles (0.00019%); highest among the groups gnomAD compares: Non-Finnish European, 0.00026%; no homozygotes.

Submissions (7):

PreventionGenetics, part of Exact Sciences
Classification: Uncertain significance for BRCA2-related condition. Last evaluated: 2026-09-02. Review status: criteria provided, single submitter. Criteria: ACMG Guidelines, 2015. Collection method: clinical testing. Allele origin: germline.
Comment: The BRCA2 c.632-3C>A variant is predicted to interfere with splicing. To our knowledge, this variant has not been reported in the literature or in a large population database (gnomAD), indicating this variant is rare. Another alteration at this position (c.632-3C>G) showed altered splicing using a minigene assay, however the impact of this variant regarding cancer risk is unknown (Table S6, Fraile-Bethencourt et al. 2019. PubMed ID: 30883759). This variant has conflicting interpretations in ClinVar ranging from uncertain to likely benign (Variation ID: 185781 ). At this time, the clinical significance of this variant is uncertain due to the absence of conclusive functional and genetic evidence.

Labcorp Genetics (formerly Invitae), Labcorp
Classification: Uncertain significance for Hereditary breast ovarian cancer syndrome. Last evaluated: 2025-08-07. Review status: criteria provided, single submitter. Criteria: Invitae Variant Classification Sherloc (09022015). Collection method: clinical testing. Allele origin: germline.
Comment: This sequence change falls in intron 7 of the BRCA2 gene. It does not directly change the encoded amino acid sequence of the BRCA2 protein. It affects a nucleotide within the consensus splice site. This variant is not present in population databases (gnomAD no frequency). This variant has not been reported in the literature in individuals affected with BRCA2-related conditions. ClinVar contains an entry for this variant (Variation ID: 185781). Variants that disrupt the consensus splice site are a relatively common cause of aberrant splicing (PMID: 17576681, 9536098). Studies have shown that this variant is associated with inconclusive levels of altered splicing (internal data). In summary, the available evidence is currently insufficient to determine the role of this variant in disease. Therefore, it has been classified as a Variant of Uncertain Significance.

GeneDx
Classification: Uncertain significance. Last evaluated: 2024-12-23. Review status: criteria provided, single submitter. Criteria: GeneDx Variant Classification Process June 2021. Collection method: clinical testing. Allele origin: germline. Affected: yes.
Comment: Has not been previously published as pathogenic or benign to our knowledge; Not observed at significant frequency in large population cohorts (gnomAD); In silico analysis is inconclusive as to whether the variant alters gene splicing. In the absence of RNA/functional studies, the actual effect of this sequence change is unknown.; Also known as 860-3C>A; This variant is associated with the following publications: (PMID: 31131967, 22505045, 30883759)

All of Us Research Program, National Institutes of Health
Classification: Uncertain significance for BRCA2-related cancer predisposition. Last evaluated: 2024-04-16. Review status: criteria provided, single submitter. Criteria: ACMG Guidelines, 2015. Collection method: clinical testing. Allele origin: germline. Inheritance: Autosomal dominant inheritance. Observed: 1 variant allele, 1 heterozygote.
Comment: This variant causes a C>A nucleotide substitution at the -3 position of intron 7 of the BRCA2 gene. Splice site prediction tools predict that this variant may have a significant impact on RNA splicing. This variant has been reported in a multifactorial analysis with co-occurrence and family history likelihood ratios for pathogenicity of 1.0498 and 0.494 respectively (PMID: 31131967). This variant has not been identified in the general population by the Genome Aggregation Database (gnomAD). The available evidence is insufficient to determine the role of this variant in disease conclusively. Therefore, this variant is classified as a Variant of Uncertain Significance.

This study involves interpretation of variants in research participants for the purpose of population health screening. Participant phenotype was not available at the time of variant classification. Additional details can be found in publication PMID: 35346344, PMCID: PMC8962531

Color Diagnostics, LLC DBA Color Health
Classification: Uncertain significance for Hereditary cancer-predisposing syndrome. Last evaluated: 2023-10-02. Review status: criteria provided, single submitter. Criteria: ACMG Guidelines, 2015. Collection method: clinical testing. Allele origin: germline.
Comment: This variant causes a C>A nucleotide substitution at the -3 position of intron 7 of the BRCA2 gene. Splice site prediction tools predict that this variant may have a significant impact on RNA splicing. This variant has been reported in a multifactorial analysis with co-occurrence and family history likelihood ratios for pathogenicity of 1.0498 and 0.494 respectively (PMID: 31131967). This variant has not been identified in the general population by the Genome Aggregation Database (gnomAD). The available evidence is insufficient to determine the role of this variant in disease conclusively. Therefore, this variant is classified as a Variant of Uncertain Significance.

Ambry Genetics
Classification: Likely benign for Hereditary cancer-predisposing syndrome. Last evaluated: 2020-08-07. Review status: criteria provided, single submitter. Criteria: Ambry Variant Classification Scheme 2023. Collection method: clinical testing. Allele origin: germline.

Quest Diagnostics Nichols Institute San Juan Capistrano
Classification: Uncertain significance. Last evaluated: 2016-10-04. Review status: criteria provided, single submitter. Criteria: Quest Diagnostics criteria. Collection method: clinical testing. Allele origin: germline.

Literature cited by the submitters: PubMed 17576681 (cited by Labcorp Genetics (formerly Invitae), Labcorp); PubMed 9536098 (cited by Labcorp Genetics (formerly Invitae), Labcorp); PubMed 31131967 (cited by All of Us Research Program, National Institutes of Health and Color Diagnostics, LLC DBA Color Health); PubMed 30883759 (cited by Ambry Genetics); PubMed 22505045 (cited by Quest Diagnostics Nichols Institute San Juan Capistrano).

NM_000059.4(BRCA2):c.632-3C>A

Gene: BRCA2 (BRCA2 DNA repair associated; plus strand). Cytogenetic location: 13q13.1.
Variant type: single nucleotide variant.
Coding change: c.632-3C>A on transcript NM_000059.4 (MANE Select); 3 bases into the intron before coding-DNA position 632, C replaced by A.
Molecular consequence: intron variant.
Genome position (GRCh38, 1-based): chr13:32,329,440, C>A. VCF-style: chr13-32329440-C-A. GRCh37 (hg19) VCF-style: chr13-32903577-C-A.
Identifiers: ClinVar variation 185781 (VCV000185781.30), dbSNP rs568027879, ClinGen allele CA023901.
Genomic context (GRCh38, chr13:32,329,440, plus strand): 5'-ACAAAAAATAAGTTTTTGCATTCTAGTGATAATATACAATACACATAAATTTTTATCTTA[C>A]AGTCAGAAATGAAGAAGCATCTGAAACTGTATTTCCTCATGATACTACTGCTGTAAGTAA-3'